The following is an entry in ClinVar:

NM_000687.4(AHCY):c.1025G>T (p.Gly342Val)

Gene: AHCY (adenosylhomocysteinase; minus strand). Cytogenetic location: 20q11.22.
Variant type: single nucleotide variant.
Coding change: c.1025G>T on transcript NM_000687.4 (MANE Select); coding-DNA position 1025, G replaced by T.
Protein change: p.Gly342Val; replaces glycine 342 with valine.
Molecular consequence: missense variant.
Genome position (GRCh38, 1-based): chr20:34,285,582, C>A on the plus strand (G>T on the coding strand, the complement: AHCY is on the minus strand). VCF-style: chr20-34285582-C-A. GRCh37 (hg19) VCF-style: chr20-32873388-C-A.
Other names: c.941G>T, p.Gly314Val (NM_001161766.2, NM_001322084.2, NM_001322085.2); c.1031G>T, p.Gly344Val (NM_001322086.2); c.1025G>T, p.Gly342Val (NM_001362750.2); short protein forms G314V, G342V, G344V.
Identifiers: ClinVar variation 386309 (VCV000386309.4), dbSNP rs1057522470, ClinGen allele CA16608350.

ClinVar aggregate classification (germline): Uncertain significance. Review status: criteria provided, multiple submitters, no conflicts (2 of 4 stars). 2 submissions from 2 submitters: Uncertain significance (2). Last evaluated 2020-09-30.

Allele frequency attached by ClinVar (database versions not stated): gnomAD exomes below 0.00001; TOPMed 0.00002.
gnomAD v4.1: 1 of 1,614,140 alleles (0.000062%); highest among the groups gnomAD compares: Non-Finnish European, 0.000085%; no homozygotes.

Submissions (2):

GeneDx
Classification: Uncertain significance. Last evaluated: 2020-09-30. Review status: criteria provided, single submitter. Criteria: GeneDx Variant Classification Process June 2021. Collection method: clinical testing. Allele origin: germline. Affected: yes.
Comment: Not observed in large population cohorts (Lek et al., 2016); In silico analysis supports that this missense variant has a deleterious effect on protein structure/function; Has not been previously published as pathogenic or benign to our knowledge

Breakthrough Genomics
Classification: Uncertain significance. Review status: criteria provided, single submitter. Criteria: ACMG Guidelines, 2015. Collection method: not provided. Allele origin: germline. Inheritance: Autosomal dominant inheritance. Affected: yes.